The following is an entry in ClinVar:

ClinVar aggregate classification (germline): Uncertain significance. Review status: criteria provided, multiple submitters, no conflicts (2 of 4 stars). 2 submissions from 2 submitters: Uncertain significance (2). Last evaluated 2025-11-25.

Conditions:
Catecholaminergic polymorphic ventricular tachycardia (CVPT). Also called: Catecholamine-induced polymorphic ventricular tachycardia. Identifiers: Orphanet 3286, MedGen C5574922, MONDO:0017990.
Catecholaminergic polymorphic ventricular tachycardia 1. Also called: VENTRICULAR TACHYCARDIA, STRESS-INDUCED POLYMORPHIC 1; RYR2-Related Catecholaminergic Polymorphic Ventricular Tachycardia; VENTRICULAR TACHYCARDIA, CATECHOLAMINERGIC POLYMORPHIC, 1, WITH OR WITHOUT ATRIAL DYSFUNCTION AND/OR DILATED CARDIOMYOPATHY. Identifiers: Orphanet 3286, MedGen C1631597, MONDO:0011484, OMIM 604772.

Allele frequency attached by ClinVar (database versions not stated): TOPMed 0.00001.

Submissions (2):

Labcorp Genetics (formerly Invitae), Labcorp
Classification: Uncertain significance for Catecholaminergic polymorphic ventricular tachycardia 1. Last evaluated: 2025-11-25. Review status: criteria provided, single submitter. Criteria: Invitae Variant Classification Sherloc (09022015). Collection method: clinical testing. Allele origin: germline.
Comment: This sequence change replaces tyrosine, which is neutral and polar, with histidine, which is basic and polar, at codon 1397 of the RYR2 protein (p.Tyr1397His). This variant is not present in population databases (gnomAD no frequency). This variant has not been reported in the literature in individuals affected with RYR2-related conditions. ClinVar contains an entry for this variant (Variation ID: 2170564). Invitae Evidence Modeling of protein sequence and biophysical properties (such as structural, functional, and spatial information, amino acid conservation, physicochemical variation, residue mobility, and thermodynamic stability) indicates that this missense variant is not expected to disrupt RYR2 protein function with a negative predictive value of 95%. In summary, the available evidence is currently insufficient to determine the role of this variant in disease. Therefore, it has been classified as a Variant of Uncertain Significance.

All of Us Research Program, National Institutes of Health
Classification: Uncertain significance for Catecholaminergic polymorphic ventricular tachycardia. Last evaluated: 2024-02-05. Review status: criteria provided, single submitter. Criteria: ACMG Guidelines, 2015. Collection method: clinical testing. Allele origin: germline. Inheritance: Autosomal dominant inheritance. Observed: 2 variant alleles, 2 heterozygotes.
Comment: This missense variant replaces tyrosine with histidine at codon 1397 of the RYR2 protein. Computational prediction suggests that this variant may not impact protein structure and function (internally defined REVEL score threshold <= 0.5, PMID: 27666373). To our knowledge, functional studies have not been reported for this variant. This variant has not been reported in individuals affected with RYR2-related disorders in the literature. This variant has not been identified in the general population by the Genome Aggregation Database (gnomAD). The available evidence is insufficient to determine the role of this variant in disease conclusively. Therefore, this variant is classified as a Variant of Uncertain Significance.

This study involves interpretation of variants in research participants for the purpose of population health screening. Participant phenotype was not available at the time of variant classification. Additional details can be found in publication PMID: 35346344, PMCID: PMC8962531

NM_001035.3(RYR2):c.4189T>C (p.Tyr1397His)

Gene: RYR2 (ryanodine receptor 2; plus strand). Cytogenetic location: 1q43.
Variant type: single nucleotide variant.
Coding change: c.4189T>C on transcript NM_001035.3 (MANE Select); coding-DNA position 4189, T replaced by C.
Protein change: p.Tyr1397His; replaces tyrosine 1397 with histidine.
Molecular consequence: missense variant.
Genome position (GRCh38, 1-based): chr1:237,591,767, T>C. VCF-style: chr1-237591767-T-C. GRCh37 (hg19) VCF-style: chr1-237755067-T-C.
Other names: short protein forms Y1397H.
Identifiers: ClinVar variation 2170564 (VCV002170564.5), dbSNP rs768054868, ClinGen allele CA345398420.